The following is an entry in ClinVar:

ClinVar aggregate classification (germline): Pathogenic (1 of 4 stars; one submission).

Submission:

Labcorp Genetics (formerly Invitae), Labcorp
Classification: Pathogenic. Last evaluated: 2023-07-18. Review status: criteria provided, single submitter. Criteria: Invitae Variant Classification Sherloc (09022015). Collection method: clinical testing. Allele origin: germline.
Comment: For these reasons, this variant has been classified as Pathogenic. Algorithms developed to predict the effect of sequence changes on RNA splicing suggest that this variant may create or strengthen a splice site. ClinVar contains an entry for this variant (Variation ID: 1074841). This variant has not been reported in the literature in individuals affected with TCIRG1-related conditions. This variant is not present in population databases (gnomAD no frequency). This sequence change creates a premature translational stop signal (p.His177Alafs*51) in the TCIRG1 gene. It is expected to result in an absent or disrupted protein product. Loss-of-function variants in TCIRG1 are known to be pathogenic (PMID: 10888887, 10942435, 11532986, 19448635).

Literature cited by the submitters: PubMed 10888887; PubMed 10942435; PubMed 11532986; PubMed 19448635.

NM_006019.4(TCIRG1):c.524_527dup (p.His177fs)

Gene: TCIRG1 (T cell immune regulator 1, ATPase H+ transporting V0 subunit a3; plus strand). Cytogenetic location: 11q13.2.
Variant type: Duplication.
Coding change: c.524_527dup on transcript NM_006019.4 (MANE Select); coding-DNA positions 524 to 527, 4 bases duplicated (AGCC; older notation c.524_527dupAGCC).
Protein change: p.His177fs; shifts the reading frame from histidine 177.
Molecular consequence: frameshift variant. On other transcripts: 5 prime UTR variant (2).
Genome position (GRCh38, 1-based): chr11:68,043,391-68,043,394, AGCC duplicated. VCF-style (leftmost placement, unchanged base first): chr11-68043390-G-GAGCC. GRCh37 (hg19) VCF-style: chr11-67810857-G-GAGCC.
Other names: c.-387_-384dup (NM_001351059.2); c.-125_-122dup (NM_006053.4); short protein forms H177fs.
Identifiers: ClinVar variation 1074841 (VCV001074841.7), dbSNP rs2134437974, ClinGen allele CA2499221239.